The following is an entry in ClinVar:

NM_001127511.3(APC):c.-60G>A

Gene: APC (APC regulator of Wnt signaling pathway; plus strand). Cytogenetic location: 5q22.2.
Variant type: single nucleotide variant.
Coding change: c.-60G>A on transcript NM_001127511.3; 60 bases upstream of the start codon, G replaced by A.
Molecular consequence: 5 prime UTR variant. On other transcripts: intron variant (5), non-coding transcript variant (1).
Genome position (GRCh38, 1-based): chr5:112,707,658, G>A. VCF-style: chr5-112707658-G-A. GRCh37 (hg19) VCF-style: chr5-112043355-G-A.
Other names: c.-19+9G>A (NM_001407458.1, NM_001407448.1, NM_001407450.1 and 1 more transcripts); c.-43+9G>A (NM_001407453.1); c.-243G>A (NM_001354895.2, NM_001407447.1, NM_001407452.1 and 3 more transcripts); c.-60G>A (NM_001354897.2, NM_001354902.2, NM_001407446.1); c.-1278G>A (NM_001407470.1, NM_001407472.1).
Identifiers: ClinVar variation 640889 (VCV000640889.9), dbSNP rs1580996554, ClinGen allele CA915943589.
Genomic context (GRCh38, chr5:112,707,658, plus strand): 5'-CGGGCTCAGGCCCGGGAGCTGCGGACCGAGGTTGGCTCGATGCTGTTCCCAGGTACTGTT[G>A]TTGGCTGTTGGTGAGGAAGGTGAAGCACTCAGTTGCCTTCTCGGGCCTCGGCGCCCCCTA-3'

ClinVar aggregate classification (germline): Uncertain significance (1 of 4 stars; one submission).

Conditions:
Familial adenomatous polyposis 1 (FAP1). Also called: FAMILIAL ADENOMATOUS POLYPOSIS 1, ATTENUATED; POLYPOSIS, ADENOMATOUS INTESTINAL. Identifiers: MedGen C2713442, MONDO:0021056, OMIM 175100. Disease mechanism: loss of function.

Submission:

Labcorp Genetics (formerly Invitae), Labcorp
Classification: Uncertain significance for Familial adenomatous polyposis 1. Last evaluated: 2025-05-05. Review status: criteria provided, single submitter. Criteria: Invitae Variant Classification Sherloc (09022015). Collection method: clinical testing. Allele origin: germline.
Comment: This variant occurs in a non-coding region of the APC gene. It does not change the encoded amino acid sequence of the APC protein. This variant is not present in population databases (gnomAD no frequency). This variant has not been reported in the literature in individuals affected with APC-related conditions. ClinVar contains an entry for this variant (Variation ID: 640889). Experimental studies and prediction algorithms are not available or were not evaluated, and the functional significance of this variant is currently unknown. In summary, the available evidence is currently insufficient to determine the role of this variant in disease. Therefore, it has been classified as a Variant of Uncertain Significance.